The following is an entry in ClinVar:

NM_000441.2(SLC26A4):c.1454C>G (p.Thr485Arg)

Gene: SLC26A4 (solute carrier family 26 member 4; plus strand). Cytogenetic location: 7q22.3.
Variant type: single nucleotide variant.
Coding change: c.1454C>G on transcript NM_000441.2 (MANE Select); coding-DNA position 1454, C replaced by G.
Protein change: p.Thr485Arg; replaces threonine 485 with arginine.
Molecular consequence: missense variant.
Genome position (GRCh38, 1-based): chr7:107,695,949, C>G. VCF-style: chr7-107695949-C-G. GRCh37 (hg19) VCF-style: chr7-107336394-C-G.
Other names: short protein forms T485R.
Identifiers: ClinVar variation 4847810 (VCV004847810.1).

ClinVar aggregate classification (germline): Likely pathogenic (1 of 4 stars; one submission).

Conditions:
Pendred syndrome (PDS). Also called: DEAFNESS WITH GOITER; GOITER-DEAFNESS SYNDROME; HYPOTHYROIDISM, CONGENITAL, DUE TO DYSHORMONOGENESIS, 2B; Pendred Syndrome (PDS); THYROID DYSHORMONOGENESIS 2B; THYROID HORMONOGENESIS, GENETIC DEFECT IN, 2B. Identifiers: Orphanet 705, MedGen C0271829, MONDO:0010134, OMIM 274600.

Submission:

Women's Health and Genetics/Laboratory Corporation of America, LabCorp
Classification: Likely pathogenic for Pendred syndrome. Last evaluated: 2026-02-26. Review status: criteria provided, single submitter. Criteria: LabCorp Variant Classification Summary - May 2015. Collection method: clinical testing. Allele origin: germline.
Comment: Variant summary: SLC26A4 c.1454C>G (p.Thr485Arg) results in a non-conservative amino acid change in the encoded protein sequence. Algorithms developed to predict the effect of missense changes on protein structure and function all suggest that this variant is likely to be disruptive. The variant was absent in 251402 control chromosomes. c.1454C>G has been observed in two compound heterozygous siblings affected with Pendred Syndrome (Pera_2008a). These data indicate that the variant may be associated with disease. At least one publication reports experimental evidence evaluating an impact on protein function. The most pronounced variant effect results in significantly reduced anion transport, approximately 10%-<30% that of the wildtype (Pera_2008b). The following publications have been ascertained in the context of this evaluation (PMID: 18285825, 19017801). No submitters have cited clinical-significance assessments for this variant to ClinVar. Based on the evidence outlined above, the variant was classified as likely pathogenic.

Literature cited by the submitters: PubMed 18285825; PubMed 19017801.